The following is an entry in ClinVar:

ClinVar aggregate classification (germline): Uncertain significance (1 of 4 stars; one submission).

Submission:

Labcorp Genetics (formerly Invitae), Labcorp
Classification: Uncertain significance. Last evaluated: 2022-02-27. Review status: criteria provided, single submitter. Criteria: Invitae Variant Classification Sherloc (09022015). Collection method: clinical testing. Allele origin: germline.
Comment: In summary, the available evidence is currently insufficient to determine the role of this variant in disease. Therefore, it has been classified as a Variant of Uncertain Significance. Algorithms developed to predict the effect of missense changes on protein structure and function are either unavailable or do not agree on the potential impact of this missense change (SIFT: "Deleterious"; PolyPhen-2: "Probably Damaging"; Align-GVGD: "Class C0"). This variant has not been reported in the literature in individuals affected with GATA5-related conditions. This variant is not present in population databases (gnomAD no frequency). This sequence change replaces proline, which is neutral and non-polar, with serine, which is neutral and polar, at codon 83 of the GATA5 protein (p.Pro83Ser).

NM_080473.5(GATA5):c.247C>T (p.Pro83Ser)

Gene: GATA5 (GATA binding protein 5; minus strand). Cytogenetic location: 20q13.33.
Variant type: single nucleotide variant.
Coding change: c.247C>T on transcript NM_080473.5 (MANE Select); coding-DNA position 247, C replaced by T.
Protein change: p.Pro83Ser; replaces proline 83 with serine.
Molecular consequence: missense variant.
Genome position (GRCh38, 1-based): chr20:62,475,275, G>A on the plus strand (C>T on the coding strand, the complement: GATA5 is on the minus strand). VCF-style: chr20-62475275-G-A. GRCh37 (hg19) VCF-style: chr20-61050331-G-A.
Other names: short protein forms P83S.
Identifiers: ClinVar variation 1960739 (VCV001960739.5), dbSNP rs1410534749, ClinGen allele CA409557202.
Genomic context (GRCh38, chr20:62,475,275, plus strand): 5'-CGGGCCCCGAGGGGCTGTGCGCGAAAGGGAAGGCGGTGGCCCCGGGCGGGTGCGCGGCTG[G>A]GGGGTGCGGACTGCCCGGGCCGAAGGCCGACGAATCCGCGGTGGCTGTCTGCGCCCAGCC-3'
Protein context (NP_536721.1, residues 73-93): SAFGPGSPHP[Pro83Ser]AAHPPGATAF